The following is an entry in ClinVar:

ClinVar aggregate classification (germline): Uncertain significance. Review status: criteria provided, multiple submitters, no conflicts (2 of 4 stars). 3 submissions from 3 submitters: Uncertain significance (2). 1 of the submissions does not count toward it. Last evaluated 2025-07-06.

Conditions:
VPS13B-related disorder. Also called: VPS13B-related condition.
Cohen syndrome (COH1). Also called: PEPPER SYNDROME; Cutis verticis gyrata, retinitis pigmentosa, and sensorineural deafness. Identifiers: Orphanet 193, MedGen C0265223, MONDO:0008999, OMIM 216550.

Allele frequency attached by ClinVar (database versions not stated): gnomAD exomes below 0.00001.
gnomAD v4.1: 2 of 1,612,964 alleles (0.00012%); highest among the groups gnomAD compares: Non-Finnish European, 0.000085%; no homozygotes.

Submissions (3):

Labcorp Genetics (formerly Invitae), Labcorp
Classification: Uncertain significance for Cohen syndrome. Last evaluated: 2025-07-06. Review status: criteria provided, single submitter. Criteria: Invitae Variant Classification Sherloc (09022015). Collection method: clinical testing. Allele origin: germline.
Comment: This sequence change replaces tyrosine, which is neutral and polar, with cysteine, which is neutral and slightly polar, at codon 753 of the VPS13B protein (p.Tyr753Cys). This variant is not present in population databases (gnomAD no frequency). This variant has not been reported in the literature in individuals affected with VPS13B-related conditions. ClinVar contains an entry for this variant (Variation ID: 2502257). Invitae Evidence Modeling of protein sequence and biophysical properties (such as structural, functional, and spatial information, amino acid conservation, physicochemical variation, residue mobility, and thermodynamic stability) indicates that this missense variant is not expected to disrupt VPS13B protein function with a negative predictive value of 80%. In summary, the available evidence is currently insufficient to determine the role of this variant in disease. Therefore, it has been classified as a Variant of Uncertain Significance.

New York Genome Center
Classification: Uncertain significance for Cohen syndrome. Last evaluated: 2022-02-24. Review status: criteria provided, single submitter. Criteria: NYGC Assertion Criteria 2020. Collection method: clinical testing. Allele origin: germline. Observed: 1 heterozygote.

PreventionGenetics, part of Exact Sciences
Classification: Uncertain significance for VPS13B-related condition. Last evaluated: 2024-04-24. Review status: no assertion criteria provided. Collection method: clinical testing. Allele origin: germline. Not counted in ClinVar's aggregate classification.
Comment: The VPS13B c.2258A>G variant is predicted to result in the amino acid substitution p.Tyr753Cys. To our knowledge, this variant has not been reported in the literature or in a large population database, indicating this variant is rare. At this time, the clinical significance of this variant is uncertain due to the absence of conclusive functional and genetic evidence.

NM_152564.5(VPS13B):c.2258A>G (p.Tyr753Cys)

Gene: VPS13B (vacuolar protein sorting 13 homolog B; plus strand). Cytogenetic location: 8q22.2.
Variant type: single nucleotide variant.
Coding change: c.2258A>G on transcript NM_152564.5 (MANE Select); coding-DNA position 2258, A replaced by G.
Protein change: p.Tyr753Cys; replaces tyrosine 753 with cysteine.
Molecular consequence: missense variant.
Genome position (GRCh38, 1-based): chr8:99,170,088, A>G. VCF-style: chr8-99170088-A-G. GRCh37 (hg19) VCF-style: chr8-100182316-A-G.
Other names: c.2258A>G, p.Tyr753Cys (NM_015243.3, NM_017890.5); short protein forms Y753C.
Identifiers: ClinVar variation 2502257 (VCV002502257.3), dbSNP rs2488877541, ClinGen allele CA371865394.